The following is an entry in ClinVar:

NM_000143.4(FH):c.1148T>C (p.Val383Ala)

Gene: FH (fumarate hydratase; minus strand). Cytogenetic location: 1q43.
Variant type: single nucleotide variant.
Coding change: c.1148T>C on transcript NM_000143.4 (MANE Select); coding-DNA position 1148, T replaced by C.
Protein change: p.Val383Ala; replaces valine 383 with alanine.
Molecular consequence: missense variant.
Genome position (GRCh38, 1-based): chr1:241,502,531, A>G on the plus strand (T>C on the coding strand, the complement: FH is on the minus strand). VCF-style: chr1-241502531-A-G. GRCh37 (hg19) VCF-style: chr1-241665831-A-G.
Other names: short protein forms V383A.
Identifiers: ClinVar variation 2984403 (VCV002984403.5), dbSNP rs758927661, ClinGen allele CA345437513.

ClinVar aggregate classification (germline): Uncertain significance. Review status: criteria provided, multiple submitters, no conflicts (2 of 4 stars). 2 submissions from 2 submitters: Uncertain significance (2). Last evaluated 2026-06-16.

Conditions:
Hereditary cancer-predisposing syndrome. Also called: Hereditary Cancer Syndrome; Hereditary neoplastic syndrome; Neoplastic Syndromes, Hereditary; Tumor predisposition. Identifiers: Orphanet 140162, MedGen C0027672, MeSH D009386, MONDO:0015356.

Submissions (2):

Ambry Genetics
Classification: Uncertain significance for Hereditary cancer-predisposing syndrome. Last evaluated: 2026-06-16. Review status: criteria provided, single submitter. Criteria: Ambry Variant Classification Scheme 2023. Collection method: clinical testing. Allele origin: germline.
Comment: The p.V383A variant (also known as c.1148T>C), located in coding exon 8 of the FH gene, results from a T to C substitution at nucleotide position 1148. The valine at codon 383 is replaced by alanine, an amino acid with similar properties. This amino acid position is conserved. In addition, this alteration is predicted to be deleterious by in silico analysis. Based on the available evidence, the clinical significance of this variant remains unclear.

Labcorp Genetics (formerly Invitae), Labcorp
Classification: Uncertain significance. Last evaluated: 2024-07-03. Review status: criteria provided, single submitter. Criteria: Invitae Variant Classification Sherloc (09022015). Collection method: clinical testing. Allele origin: germline.
Comment: This sequence change replaces valine, which is neutral and non-polar, with alanine, which is neutral and non-polar, at codon 383 of the FH protein (p.Val383Ala). This variant is not present in population databases (gnomAD no frequency). This variant has not been reported in the literature in individuals affected with FH-related conditions. Advanced modeling of protein sequence and biophysical properties (such as structural, functional, and spatial information, amino acid conservation, physicochemical variation, residue mobility, and thermodynamic stability) has been performed at Invitae for this missense variant, however the output from this modeling did not meet the statistical confidence thresholds required to predict the impact of this variant on FH protein function. In summary, the available evidence is currently insufficient to determine the role of this variant in disease. Therefore, it has been classified as a Variant of Uncertain Significance.